The following is an entry in ClinVar:

ClinVar aggregate classification (germline): Benign. Review status: criteria provided, multiple submitters, no conflicts (2 of 4 stars). 3 submissions from 3 submitters: Benign (2). 1 of the submissions does not count toward it. Last evaluated 2017-07-27.

Conditions:
DRD5-related disorder. Also called: DRD5-related condition.

Allele frequency attached by ClinVar (database versions not stated): ExAC 0.00452; gnomAD 0.00491 and 0.00492; 1000 Genomes Project 30x 0.00500; 1000 Genomes Project 0.00519; TOPMed 0.00536; ESP Exome Variant Server 0.00561.
gnomAD v4.1: 11,727 of 1,614,012 alleles (0.73%); highest among the groups gnomAD compares: Non-Finnish European, 0.9%; 67 homozygotes.

Submissions (3):

Eurofins Ntd Llc (ga)
Classification: Benign. Last evaluated: 2017-07-27. Review status: criteria provided, single submitter. Criteria: EGL Classification Definitions 2015. Collection method: clinical testing. Allele origin: germline. Observed: 2 variant alleles, 2 heterozygotes.

Breakthrough Genomics
Classification: Benign. Review status: criteria provided, single submitter. Criteria: ACMG Guidelines, 2015. Collection method: not provided. Allele origin: germline. Inheritance: Autosomal dominant inheritance. Affected: yes.

PreventionGenetics, part of Exact Sciences
Classification: Benign for DRD5-related condition. Last evaluated: 2019-10-31. Review status: no assertion criteria provided. Collection method: clinical testing. Allele origin: germline. Not counted in ClinVar's aggregate classification.
Comment: This variant is classified as benign based on ACMG/AMP sequence variant interpretation guidelines (Richards et al. 2015 PMID: 25741868, with internal and published modifications).

NM_000798.5(DRD5):c.262C>T (p.Leu88Phe)

Genes: DRD5 (dopamine receptor D5; plus strand), SLC2A9 (solute carrier family 2 member 9; minus strand). Cytogenetic location: 4p16.1.
Variant type: single nucleotide variant.
Coding change: c.262C>T on transcript NM_000798.5 (MANE Select); coding-DNA position 262, C replaced by T.
Protein change: p.Leu88Phe; replaces leucine 88 with phenylalanine.
Molecular consequence: missense variant.
Genome position (GRCh38, 1-based): chr4:9,782,291, C>T. VCF-style: chr4-9782291-C-T. GRCh37 (hg19) VCF-style: chr4-9783915-C-T.
Other names: c.262C>T (NM_000798.4); short protein forms L88F.
Identifiers: ClinVar variation 592325 (VCV000592325.8), dbSNP rs148402761, ClinGen allele CA2856469.